The following is an entry in ClinVar:

NM_001015877.2(PHF6):c.15T>G (p.Val5=)

Gene: PHF6 (PHD finger protein 6; plus strand). Cytogenetic location: Xq26.2.
Variant type: single nucleotide variant.
Coding change: c.15T>G on transcript NM_001015877.2 (MANE Select); coding-DNA position 15, T replaced by G.
Protein change: p.Val5=; no amino-acid change (valine 5 retained).
Molecular consequence: synonymous variant.
Genome position (GRCh38, 1-based): chrX:134,377,632, T>G. VCF-style: chrX-134377632-T-G. GRCh37 (hg19) VCF-style: chrX-133511662-T-G.
Other names: c.15T>G, p.Val5= (NM_032335.3, NM_032458.3).
Identifiers: ClinVar variation 4996744 (VCV004996744.1).
Genomic context (GRCh38, chrX:134,377,632, plus strand): 5'-CATTTCTTGAGACTTAAAGTGGCATTCTAAAGGCAATTTAAAAATCATGTCAAGCTCAGT[T>G]GAACAGAAAAAAGGGCCTACAAGACAGCGCAAATGTGGCTTTTGTAAGTCAAATAGAGAC-3'
Protein context (NP_001015877.1, residues 1-15): MSSS[Val5=]EQKKGPTRQR

ClinVar aggregate classification (germline): Likely benign (1 of 4 stars; one submission).

Conditions:
PHF6-related disorder. Also called: PHF6-related condition.

Submission:

PreventionGenetics, part of Exact Sciences
Classification: Likely benign for PHF6-related condition. Last evaluated: 2024-11-02. Review status: criteria provided, single submitter. Criteria: ACMG Guidelines, 2015. Collection method: clinical testing. Allele origin: germline.
Comment: This variant is classified as likely benign based on ACMG/AMP sequence variant interpretation guidelines (Richards et al. 2015 PMID: 25741868, with internal and published modifications).